The following is an entry in ClinVar:

NM_130384.3(ATRIP):c.2039G>C (p.Cys680Ser)

Genes: ATRIP (ATR interacting protein; plus strand), ATRIP-TREX1 (ATRIP-TREX1 readthrough; plus strand). Cytogenetic location: 3p21.31.
Variant type: single nucleotide variant.
Coding change: c.2039G>C on transcript NM_130384.3 (MANE Select); coding-DNA position 2039, G replaced by C.
Protein change: p.Cys680Ser; replaces cysteine 680 with serine.
Molecular consequence: missense variant. On other transcripts: non-coding transcript variant (1), intron variant (1).
Genome position (GRCh38, 1-based): chr3:48,464,646, G>C. VCF-style: chr3-48464646-G-C. GRCh37 (hg19) VCF-style: chr3-48506045-G-C.
Other names: c.1658G>C, p.Cys553Ser (NM_001271022.2); c.1760G>C, p.Cys587Ser (NM_001271023.2); c.1975-185G>C (NM_032166.4); short protein forms C680S, C553S, C587S.
Identifiers: ClinVar variation 2239920 (VCV002239920.6), dbSNP rs764394888, ClinGen allele CA2376359.

ClinVar aggregate classification (germline): Uncertain significance. Review status: criteria provided, multiple submitters, no conflicts (2 of 4 stars). 2 submissions from 2 submitters: Uncertain significance (2). Last evaluated 2024-11-23.

Allele frequency attached by ClinVar (database versions not stated): TOPMed below 0.00001; ExAC 0.00001; gnomAD 0.00001.
gnomAD v4.1: 7 of 1,614,084 alleles (0.00043%); highest among the groups gnomAD compares: Non-Finnish European, 0.000085%; no homozygotes.

Submissions (2):

Ambry Genetics
Classification: Uncertain significance. Last evaluated: 2024-11-23. Review status: criteria provided, single submitter. Criteria: Ambry Variant Classification Scheme 2023. Collection method: clinical testing. Allele origin: germline.
Comment: The p.C680S variant (also known as c.2039G>C), located in coding exon 11 of the ATRIP gene, results from a G to C substitution at nucleotide position 2039. The cysteine at codon 680 is replaced by serine, an amino acid with dissimilar properties. This amino acid position is conserved. In addition, this alteration is predicted to be deleterious by in silico analysis. Based on the available evidence, the clinical significance of this variant remains unclear.

Labcorp Genetics (formerly Invitae), Labcorp
Classification: Uncertain significance. Last evaluated: 2022-12-27. Review status: criteria provided, single submitter. Criteria: Invitae Variant Classification Sherloc (09022015). Collection method: clinical testing. Allele origin: germline.
Comment: Algorithms developed to predict the effect of missense changes on protein structure and function (SIFT, PolyPhen-2, Align-GVGD) all suggest that this variant is likely to be disruptive. This variant has not been reported in the literature in individuals affected with ATRIP-related conditions. This variant is present in population databases (rs764394888, gnomAD 0.02%). This sequence change replaces cysteine, which is neutral and slightly polar, with serine, which is neutral and polar, at codon 680 of the ATRIP protein (p.Cys680Ser). In summary, the available evidence is currently insufficient to determine the role of this variant in disease. Therefore, it has been classified as a Variant of Uncertain Significance.